The following is an entry in ClinVar:

ClinVar aggregate classification (germline): Likely pathogenic (1 of 4 stars; one submission).

Conditions:
Autosomal recessive limb-girdle muscular dystrophy type 2J (LGMDR10). Also called: MUSCULAR DYSTROPHY, LIMB-GIRDLE, AUTOSOMAL RECESSIVE 10; Limb-girdle muscular dystrophy, type 2J. Identifiers: Orphanet 140922, MedGen C1837342, MONDO:0012127, OMIM 608807.
Dilated cardiomyopathy 1G (CMD1G). Identifiers: Orphanet 154, MedGen C1858763, MONDO:0011400, OMIM 604145.

Submission:

Labcorp Genetics (formerly Invitae), Labcorp
Classification: Likely pathogenic for Dilated cardiomyopathy 1G; Autosomal recessive limb-girdle muscular dystrophy type 2J. Last evaluated: 2025-08-25. Review status: criteria provided, single submitter. Criteria: Invitae Variant Classification Sherloc (09022015). Collection method: clinical testing. Allele origin: germline.
Comment: This sequence change creates a premature translational stop signal (p.Tyr15919*) in the TTN gene. While this is not anticipated to result in nonsense mediated decay, it is expected to create a truncated TTN protein. This variant is not present in population databases (gnomAD no frequency). This premature translational stop signal has been observed in individual(s) with dilated cardiomyopathy (PMID: 37461109). This variant is also known as c.C42834A p.Y14278X. This variant is located in the A band of TTN (PMID: 25589632). Truncating variants in this region are significantly overrepresented in patients affected with dilated cardiomyopathy (PMID: 25589632). Truncating variants in this region have also been reported in individuals affected with autosomal recessive centronuclear myopathy (PMID: 23975875). In summary, the currently available evidence indicates that the variant is pathogenic, but additional data are needed to prove that conclusively. Therefore, this variant has been classified as Likely Pathogenic.

Literature cited by the submitters: PubMed 37461109; PubMed 25589632; PubMed 23975875.

NM_001267550.2(TTN):c.47757C>A (p.Tyr15919Ter)

Genes: TTN (titin; minus strand), TTN-AS1 (TTN antisense RNA 1; plus strand). Cytogenetic location: 2q31.2.
Variant type: single nucleotide variant.
Coding change: c.47757C>A on transcript NM_001267550.2 (MANE Select); coding-DNA position 47757, C replaced by A.
Protein change: p.Tyr15919Ter; replaces tyrosine 15919 with a stop codon.
Molecular consequence: nonsense.
Genome position (GRCh38, 1-based): chr2:178,617,328, G>T on the plus strand (C>A on the coding strand, the complement: TTN is on the minus strand). VCF-style: chr2-178617328-G-T. GRCh37 (hg19) VCF-style: chr2-179482055-G-T.
Other names: c.42834C>A, p.Tyr14278Ter (NM_001256850.1); c.20562C>A, p.Tyr6854Ter (NM_003319.4); c.40053C>A, p.Tyr13351Ter (NM_133378.4); c.20937C>A, p.Tyr6979Ter (NM_133432.3); c.21138C>A, p.Tyr7046Ter (NM_133437.4); short protein forms Y13351*, Y14278*, Y6979*, Y7046*, Y15919*, Y6854*.
Identifiers: ClinVar variation 4793932 (VCV004793932.1).